The following is an entry in ClinVar:

ClinVar aggregate classification (germline): Uncertain significance. Review status: criteria provided, single submitter (1 of 4 stars). 2 submissions from 2 submitters: Uncertain significance (1). 1 of the submissions does not count toward it. Last evaluated 2026-01-02.

Conditions:
Hajdu-Cheney syndrome (HJCYS). Also called: ACROOSTEOLYSIS WITH OSTEOPOROSIS AND CHANGES IN SKULL AND MANDIBLE; Acroosteolysis dominant type; SERPENTINE FIBULA-POLYCYSTIC KIDNEY SYNDROME. Identifiers: Orphanet 955, MedGen C0917715, MONDO:0007057, OMIM 102500.
Alagille syndrome due to a NOTCH2 point mutation. Also called: Alagille syndrome 2. Identifiers: Orphanet 261629, Orphanet 52, MedGen C1857761, MONDO:0012439, OMIM 610205.

Allele frequency attached by ClinVar (database versions not stated): gnomAD 0.00001; TOPMed 0.00001.

Submissions (2):

Labcorp Genetics (formerly Invitae), Labcorp
Classification: Uncertain significance for Hajdu-Cheney syndrome. Last evaluated: 2026-01-02. Review status: criteria provided, single submitter. Criteria: Invitae Variant Classification Sherloc (09022015). Collection method: clinical testing. Allele origin: germline.
Comment: This sequence change replaces serine, which is neutral and polar, with leucine, which is neutral and non-polar, at codon 1741 of the NOTCH2 protein (p.Ser1741Leu). This variant is not present in population databases (gnomAD no frequency). This missense change has been observed in individual(s) with clinical features of NOTCH2-related conditions (PMID: 25016221). ClinVar contains an entry for this variant (Variation ID: 684618). Invitae Evidence Modeling of protein sequence and biophysical properties (such as structural, functional, and spatial information, amino acid conservation, physicochemical variation, residue mobility, and thermodynamic stability) indicates that this missense variant is not expected to disrupt NOTCH2 protein function with a negative predictive value of 80%. In summary, the available evidence is currently insufficient to determine the role of this variant in disease. Therefore, it has been classified as a Variant of Uncertain Significance.

Yale Center for Mendelian Genomics, Yale University
Classification: Pathogenic for Alagille syndrome due to a NOTCH2 point mutation. Last evaluated: 2014-07-10. Review status: no assertion criteria provided. Collection method: literature only. Allele origin: germline. Affected: yes. Observed: 1 compound heterozygote. Not counted in ClinVar's aggregate classification.

Literature cited by the submitters: PubMed 25016221 (cited by Labcorp Genetics (formerly Invitae), Labcorp and Yale Center for Mendelian Genomics, Yale University).

NM_024408.4(NOTCH2):c.5222C>T (p.Ser1741Leu)

Gene: NOTCH2 (notch receptor 2; minus strand). Cytogenetic location: 1p12.
Variant type: single nucleotide variant.
Coding change: c.5222C>T on transcript NM_024408.4 (MANE Select); coding-DNA position 5222, C replaced by T.
Protein change: p.Ser1741Leu; replaces serine 1741 with leucine.
Molecular consequence: missense variant.
Genome position (GRCh38, 1-based): chr1:119,921,801, G>A on the plus strand (C>T on the coding strand, the complement: NOTCH2 is on the minus strand). VCF-style: chr1-119921801-G-A. GRCh37 (hg19) VCF-style: chr1-120464424-G-A.
Other names: short protein forms S1741L.
Identifiers: ClinVar variation 684618 (VCV000684618.2), dbSNP rs1570660422, ClinGen allele CA341886532.